The following is an entry in ClinVar:

ClinVar aggregate classification (germline): Uncertain significance (1 of 4 stars; one submission).

Conditions:
Leigh syndrome (NULS). Also called: Leigh's necrotizing encephalopathy; Leigh's disease; Leigh Syndrome (mtDNA deletion); Leigh Disease; Subacute necrotizing encephalopathy; Necrotizing encephalopathy infantile subacute of Leigh. Identifiers: Orphanet 506, MedGen C2931891, MONDO:0009723, OMIM 256000.

Allele frequency attached by ClinVar (database versions not stated): gnomAD 0.00001; TOPMed 0.00001; gnomAD exomes 0.00002.

Submission:

Labcorp Genetics (formerly Invitae), Labcorp
Classification: Uncertain significance for Leigh syndrome. Last evaluated: 2022-08-09. Review status: criteria provided, single submitter. Criteria: Invitae Variant Classification Sherloc (09022015). Collection method: clinical testing. Allele origin: germline.
Comment: This sequence change replaces alanine, which is neutral and non-polar, with valine, which is neutral and non-polar, at codon 19 of the SURF1 protein (p.Ala19Val). This variant is present in population databases (no rsID available, gnomAD 0.01%). This variant has not been reported in the literature in individuals affected with SURF1-related conditions. ClinVar contains an entry for this variant (Variation ID: 1509553). Algorithms developed to predict the effect of missense changes on protein structure and function output the following: SIFT: "Tolerated"; PolyPhen-2: "Not Available"; Align-GVGD: "Class C0". The valine amino acid residue is found in multiple mammalian species, which suggests that this missense change does not adversely affect protein function. Algorithms developed to predict the effect of sequence changes on RNA splicing suggest that this variant may create or strengthen a splice site. In summary, the available evidence is currently insufficient to determine the role of this variant in disease. Therefore, it has been classified as a Variant of Uncertain Significance.

NM_003172.4(SURF1):c.56C>T (p.Ala19Val)

Genes: SURF1 (SURF1 cytochrome c oxidase assembly factor; minus strand), LOC130002899 (ATAC-STARR-seq lymphoblastoid silent region 20452; plus strand). Cytogenetic location: 9q34.2.
Variant type: single nucleotide variant.
Coding change: c.56C>T on transcript NM_003172.4 (MANE Select); coding-DNA position 56, C replaced by T.
Protein change: p.Ala19Val; replaces alanine 19 with valine.
Molecular consequence: missense variant. On other transcripts: intron variant (1).
Genome position (GRCh38, 1-based): chr9:133,356,319, G>A on the plus strand (C>T on the coding strand, the complement: SURF1 is on the minus strand). VCF-style: chr9-133356319-G-A. GRCh37 (hg19) VCF-style: chr9-136223174-G-A.
Other names: c.-222+81C>T (NM_001280787.1); short protein forms A19V.
Identifiers: ClinVar variation 1509553 (VCV001509553.5), dbSNP rs980771108, ClinGen allele CA200834053.